The following is an entry in ClinVar:

ClinVar aggregate classification (germline): Uncertain significance. Review status: criteria provided, multiple submitters, no conflicts (2 of 4 stars). 2 submissions from 2 submitters: Uncertain significance (2). Last evaluated 2021-11-07.

Conditions:
Microcephaly, normal intelligence and immunodeficiency (NBS). Also called: BERLIN BREAKAGE SYNDROME; SEEMANOVA SYNDROME II; Immunodeficiency, microcephaly with normal intelligence; Nijmegen breakage syndrome; Microcephaly with normal intelligence immunodeficiency and lymphoreticular malignancies; Nonsyndromal microcephaly autosomal recessive with normal intelligence. Identifiers: Orphanet 647, MedGen C0398791, MONDO:0009623, OMIM 251260.

Submissions (2):

Genome-Nilou Lab
Classification: Uncertain significance for Microcephaly, normal intelligence and immunodeficiency. Last evaluated: 2021-11-07. Review status: criteria provided, single submitter. Criteria: ACMG Guidelines, 2015. Collection method: clinical testing. Allele origin: germline. Affected: no.

Labcorp Genetics (formerly Invitae), Labcorp
Classification: Uncertain significance for Microcephaly, normal intelligence and immunodeficiency. Last evaluated: 2020-04-29. Review status: criteria provided, single submitter. Criteria: Invitae Variant Classification Sherloc (09022015). Collection method: clinical testing. Allele origin: germline.
Comment: In summary, the available evidence is currently insufficient to determine the role of this variant in disease. Therefore, it has been classified as a Variant of Uncertain Significance. Algorithms developed to predict the effect of missense changes on protein structure and function are either unavailable or do not agree on the potential impact of this missense change (SIFT: "Deleterious"; PolyPhen-2: "Probably Damaging"; Align-GVGD: "Class C0"). This variant has not been reported in the literature in individuals with NBN-related conditions. This variant is not present in population databases (ExAC no frequency). This sequence change replaces phenylalanine with cysteine at codon 227 of the NBN protein (p.Phe227Cys). The phenylalanine residue is highly conserved and there is a large physicochemical difference between phenylalanine and cysteine.

NM_002485.5(NBN):c.680T>G (p.Phe227Cys)

Gene: NBN (nibrin; minus strand). Cytogenetic location: 8q21.3.
Variant type: single nucleotide variant.
Coding change: c.680T>G on transcript NM_002485.5 (MANE Select); coding-DNA position 680, T replaced by G.
Protein change: p.Phe227Cys; replaces phenylalanine 227 with cysteine.
Molecular consequence: missense variant.
Genome position (GRCh38, 1-based): chr8:89,971,195, A>C on the plus strand (T>G on the coding strand, the complement: NBN is on the minus strand). VCF-style: chr8-89971195-A-C. GRCh37 (hg19) VCF-style: chr8-90983423-A-C.
Other names: c.434T>G, p.Phe145Cys (NM_001024688.3); short protein forms F145C, F227C.
Identifiers: ClinVar variation 1059147 (VCV001059147.12), dbSNP rs749025721, ClinGen allele CA371658980.